The following is an entry in ClinVar:

ClinVar aggregate classification (germline): Likely benign (0 of 4 stars; one submission).

Conditions:
VWF-related disorder. Also called: VWF-related disorders; VWF-related condition.

gnomAD v4.1: 12 of 1,613,084 alleles (0.00074%); highest among the groups gnomAD compares: Admixed American, 0.01%; no homozygotes.

Submission:

PreventionGenetics, part of Exact Sciences
Classification: Likely benign for VWF-related condition. Last evaluated: 2019-08-13. Review status: no assertion criteria provided. Collection method: clinical testing. Allele origin: germline.
Comment: This variant is classified as likely benign based on ACMG/AMP sequence variant interpretation guidelines (Richards et al. 2015 PMID: 25741868, with internal and published modifications).

NM_000552.5(VWF):c.1551C>T (p.Ala517=)

Gene: VWF (von Willebrand factor; minus strand). Cytogenetic location: 12p13.31.
Variant type: single nucleotide variant.
Coding change: c.1551C>T on transcript NM_000552.5 (MANE Select); coding-DNA position 1551, C replaced by T.
Protein change: p.Ala517=; no amino-acid change (alanine 517 retained).
Molecular consequence: synonymous variant.
Genome position (GRCh38, 1-based): chr12:6,058,027, G>A on the plus strand (C>T on the coding strand, the complement: VWF is on the minus strand). VCF-style: chr12-6058027-G-A. GRCh37 (hg19) VCF-style: chr12-6167193-G-A.
Identifiers: ClinVar variation 3035020 (VCV003035020.2), dbSNP rs142956629, ClinGen allele CA6403341.